The following is an entry in ClinVar:

NM_003924.4(PHOX2B):c.700G>A (p.Gly234Ser)

Gene: PHOX2B (paired like homeobox 2B; minus strand). Cytogenetic location: 4p13.
Variant type: single nucleotide variant.
Coding change: c.700G>A on transcript NM_003924.4 (MANE Select); coding-DNA position 700, G replaced by A.
Protein change: p.Gly234Ser; replaces glycine 234 with serine.
Molecular consequence: missense variant.
Genome position (GRCh38, 1-based): chr4:41,746,052, C>T on the plus strand (G>A on the coding strand, the complement: PHOX2B is on the minus strand). VCF-style: chr4-41746052-C-T. GRCh37 (hg19) VCF-style: chr4-41748069-C-T.
Other names: short protein forms G234S.
Identifiers: ClinVar variation 963072 (VCV000963072.12), dbSNP rs1289310797, ClinGen allele CA356737350.

ClinVar aggregate classification (germline): Uncertain significance. Review status: criteria provided, multiple submitters, no conflicts (2 of 4 stars). 2 submissions from 2 submitters: Uncertain significance (2). Last evaluated 2025-02-05.

Conditions:
Hereditary cancer-predisposing syndrome. Also called: Tumor predisposition; Hereditary neoplastic syndrome; Hereditary Cancer Syndrome; Neoplastic Syndromes, Hereditary. Identifiers: Orphanet 140162, MedGen C0027672, MeSH D009386, MONDO:0015356.
Haddad syndrome (OHD). Also called: Ondine-Hirschsprung disease. Identifiers: Orphanet 99803, MedGen C1859049, MONDO:0020493.

Submissions (2):

Ambry Genetics
Classification: Uncertain significance for Hereditary cancer-predisposing syndrome. Last evaluated: 2025-02-05. Review status: criteria provided, single submitter. Criteria: Ambry Variant Classification Scheme 2023. Collection method: clinical testing. Allele origin: germline.
Comment: The p.G234S variant (also known as c.700G>A), located in coding exon 3 of the PHOX2B gene, results from a G to A substitution at nucleotide position 700. The glycine at codon 234 is replaced by serine, an amino acid with similar properties. This amino acid position is well conserved in available vertebrate species. In addition, the in silico prediction for this alteration is inconclusive. Since supporting evidence is limited at this time, the clinical significance of this alteration remains unclear.

Labcorp Genetics (formerly Invitae), Labcorp
Classification: Uncertain significance for Haddad syndrome. Last evaluated: 2024-04-29. Review status: criteria provided, single submitter. Criteria: Invitae Variant Classification Sherloc (09022015). Collection method: clinical testing. Allele origin: germline.
Comment: This sequence change replaces glycine, which is neutral and non-polar, with serine, which is neutral and polar, at codon 234 of the PHOX2B protein (p.Gly234Ser). This variant is present in population databases (no rsID available, gnomAD 0.06%). This variant has not been reported in the literature in individuals affected with PHOX2B-related conditions. ClinVar contains an entry for this variant (Variation ID: 963072). Advanced modeling of protein sequence and biophysical properties (such as structural, functional, and spatial information, amino acid conservation, physicochemical variation, residue mobility, and thermodynamic stability) performed at Invitae indicates that this missense variant is not expected to disrupt PHOX2B protein function with a negative predictive value of 80%. In summary, the available evidence is currently insufficient to determine the role of this variant in disease. Therefore, it has been classified as a Variant of Uncertain Significance.